The following is an entry in ClinVar:

ClinVar aggregate classification (germline): Conflicting classifications of pathogenicity. Review status: criteria provided, conflicting classifications (1 of 4 stars). 3 submissions from 3 submitters: Uncertain significance (2); Likely benign (1). Last evaluated 2025-05-30.

Conditions:
Inborn genetic diseases. Identifiers: MedGen C0950123, MeSH D030342.
Erythrocytosis, familial, 4 (ECYT4). Identifiers: Orphanet 247511, MedGen C2673187, MONDO:0012729, OMIM 611783.

Allele frequency attached by ClinVar (database versions not stated): TOPMed 0.00001.
gnomAD v4.1: 6 of 1,613,964 alleles (0.00037%); highest among the groups gnomAD compares: Admixed American, 0.0017%; no homozygotes.

Submissions (3):

Ambry Genetics
Classification: Likely benign for Inborn genetic diseases. Last evaluated: 2025-05-30. Review status: criteria provided, single submitter. Criteria: Ambry Variant Classification Scheme 2023. Collection method: clinical testing. Allele origin: germline.

Labcorp Genetics (formerly Invitae), Labcorp
Classification: Uncertain significance. Last evaluated: 2024-06-22. Review status: criteria provided, single submitter. Criteria: Invitae Variant Classification Sherloc (09022015). Collection method: clinical testing. Allele origin: germline.
Comment: This sequence change replaces arginine, which is basic and polar, with glutamine, which is neutral and polar, at codon 690 of the EPAS1 protein (p.Arg690Gln). This variant is not present in population databases (gnomAD no frequency). This variant has not been reported in the literature in individuals affected with EPAS1-related conditions. ClinVar contains an entry for this variant (Variation ID: 2441242). Algorithms developed to predict the effect of missense changes on protein structure and function output the following: SIFT: "Not Available"; PolyPhen-2: "Benign"; Align-GVGD: "Not Available". The glutamine amino acid residue is found in multiple mammalian species, which suggests that this missense change does not adversely affect protein function. In summary, the available evidence is currently insufficient to determine the role of this variant in disease. Therefore, it has been classified as a Variant of Uncertain Significance.

Revvity Omics, Revvity
Classification: Uncertain significance for Erythrocytosis, familial, 4. Last evaluated: 2019-07-23. Review status: criteria provided, single submitter. Criteria: ACMG Guidelines, 2015. Collection method: clinical testing. Allele origin: germline.

NM_001430.5(EPAS1):c.2069G>A (p.Arg690Gln)

Gene: EPAS1 (endothelial PAS domain protein 1; plus strand). Cytogenetic location: 2p21.
Variant type: single nucleotide variant.
Coding change: c.2069G>A on transcript NM_001430.5 (MANE Select); coding-DNA position 2069, G replaced by A.
Protein change: p.Arg690Gln; replaces arginine 690 with glutamine.
Molecular consequence: missense variant.
Genome position (GRCh38, 1-based): chr2:46,381,619, G>A. VCF-style: chr2-46381619-G-A. GRCh37 (hg19) VCF-style: chr2-46608758-G-A.
Other names: short protein forms R690Q.
Identifiers: ClinVar variation 2441242 (VCV002441242.6), dbSNP rs1021730994, ClinGen allele CA46568184.